The following is an entry in ClinVar:

NM_001374385.1(ATP8B1):c.1267C>A (p.Leu423Met)

Gene: ATP8B1 (ATPase phospholipid transporting 8B1; minus strand). Cytogenetic location: 18q21.31.
Variant type: single nucleotide variant.
Coding change: c.1267C>A on transcript NM_001374385.1 (MANE Select); coding-DNA position 1267, C replaced by A.
Protein change: p.Leu423Met; replaces leucine 423 with methionine.
Molecular consequence: missense variant.
Genome position (GRCh38, 1-based): chr18:57,688,461, G>T on the plus strand (C>A on the coding strand, the complement: ATP8B1 is on the minus strand). VCF-style: chr18-57688461-G-T. GRCh37 (hg19) VCF-style: chr18-55355693-G-T.
Other names: c.1117C>A, p.Leu373Met (NM_001374386.1); c.1267C>A, p.Leu423Met (NM_005603.6); short protein forms L423M, L373M.
Identifiers: ClinVar variation 424241 (VCV000424241.2), dbSNP rs376374396, ClinGen allele CA8974613.

ClinVar aggregate classification (germline): Uncertain significance (1 of 4 stars; one submission).

Allele frequency attached by ClinVar (database versions not stated): gnomAD exomes 0.00001; ExAC 0.00002; ESP Exome Variant Server 0.00008.

Submission:

GeneDx
Classification: Uncertain significance. Last evaluated: 2017-03-21. Review status: criteria provided, single submitter. Criteria: GeneDx Variant Classification (06012015). Collection method: clinical testing. Allele origin: germline. Affected: yes.
Comment: The L423M variant has not been published as a pathogenic variant, nor has it been reported as a benign variant to our knowledge. The L423M variant is not observed at a significant frequency in large population cohorts (Lek et al., 2016; 1000 Genomes Consortium et al., 2015; Exome Variant Server). The L423M variant is a conservative amino acid substitution, which is not likely to impact secondary protein structure as these residues share similar properties. This substitution occurs at a position that is conserved across species. In silico analysis is inconsistent in its predictions as to whether or not the variant is damaging to the protein structure/function. In summary, based on the currently available information, it is unclear whether this variant is a pathogenic variant or a rare benign variant.